The following is an entry in ClinVar:

ClinVar aggregate classification (germline): Uncertain significance. Review status: criteria provided, multiple submitters, no conflicts (2 of 4 stars). 2 submissions from 2 submitters: Uncertain significance (2). Last evaluated 2025-06-22.

Conditions:
Brunner syndrome (BRNRS). Identifiers: Orphanet 3057, MedGen C0796275, MONDO:0010379, OMIM 300615.
Inborn genetic diseases. Identifiers: MedGen C0950123, MeSH D030342.

Allele frequency attached by ClinVar (database versions not stated): TOPMed 0.00002; gnomAD exomes 0.00001; ExAC 0.00002.
gnomAD v4.1: 8 of 1,211,003 alleles (0.00066%); highest among the groups gnomAD compares: Admixed American, 0.0022%; no homozygotes.

Submissions (2):

Labcorp Genetics (formerly Invitae), Labcorp
Classification: Uncertain significance for Brunner syndrome. Last evaluated: 2025-06-22. Review status: criteria provided, single submitter. Criteria: Invitae Variant Classification Sherloc (09022015). Collection method: clinical testing. Allele origin: germline.
Comment: This sequence change replaces valine, which is neutral and non-polar, with alanine, which is neutral and non-polar, at codon 63 of the MAOA protein (p.Val63Ala). This variant is present in population databases (rs754172029, gnomAD 0.002%). This variant has not been reported in the literature in individuals affected with MAOA-related conditions. ClinVar contains an entry for this variant (Variation ID: 3017094). Invitae Evidence Modeling of protein sequence and biophysical properties (such as structural, functional, and spatial information, amino acid conservation, physicochemical variation, residue mobility, and thermodynamic stability) indicates that this missense variant is not expected to disrupt MAOA protein function with a negative predictive value of 80%. In summary, the available evidence is currently insufficient to determine the role of this variant in disease. Therefore, it has been classified as a Variant of Uncertain Significance.

Ambry Genetics
Classification: Uncertain significance for Inborn genetic diseases. Last evaluated: 2024-08-28. Review status: criteria provided, single submitter. Criteria: Ambry Variant Classification Scheme 2023. Collection method: clinical testing. Allele origin: germline.

NM_000240.4(MAOA):c.188T>C (p.Val63Ala)

Gene: MAOA (monoamine oxidase A; plus strand). Cytogenetic location: Xp11.3.
Variant type: single nucleotide variant.
Coding change: c.188T>C on transcript NM_000240.4 (MANE Select); coding-DNA position 188, T replaced by C.
Protein change: p.Val63Ala; replaces valine 63 with alanine.
Molecular consequence: missense variant. On other transcripts: 5 prime UTR variant (1).
Genome position (GRCh38, 1-based): chrX:43,693,310, T>C. VCF-style: chrX-43693310-T-C. GRCh37 (hg19) VCF-style: chrX-43552557-T-C.
Other names: c.-212T>C (NM_001270458.2); c.188T>C (NM_000240.2); short protein forms V63A.
Identifiers: ClinVar variation 3017094 (VCV003017094.4), dbSNP rs754172029, ClinGen allele CA10390736.